The following is an entry in ClinVar:

NM_144997.7(FLCN):c.1302_1303dup (p.Phe435fs)

Gene: FLCN (folliculin; minus strand). Cytogenetic location: 17p11.2.
Variant type: Duplication.
Coding change: c.1302_1303dup on transcript NM_144997.7 (MANE Select); coding-DNA positions 1302 to 1303, 2 bases duplicated (GT; older notation c.1302_1303dupGT).
Protein change: p.Phe435fs; shifts the reading frame from phenylalanine 435.
Molecular consequence: frameshift variant.
Genome position (GRCh38, 1-based): chr17:17,215,314-17,215,315, AC duplicated on the plus strand (GT on the coding strand, the reverse complement: FLCN is on the minus strand). VCF-style (leftmost placement, unchanged base first): chr17-17215313-A-AAC. GRCh37 (hg19) VCF-style: chr17-17118627-A-AAC.
Other names: c.1302_1303dup (LRG_325t1); c.1356_1357dup, p.Phe453fs (NM_001353229.2); c.1302_1303dup, p.Phe435fs (NM_001353230.2, NM_001353231.2); c.1302_1303dupGT (NM_144997.5); short protein forms F453fs, F435fs.
Identifiers: ClinVar variation 428642 (VCV000428642.5), dbSNP rs1131690829, ClinGen allele CA645369706.

ClinVar aggregate classification (germline): Pathogenic (1 of 4 stars; one submission).

Conditions:
Hereditary cancer-predisposing syndrome. Also called: Hereditary Cancer Syndrome; Neoplastic Syndromes, Hereditary; Hereditary neoplastic syndrome; Tumor predisposition. Identifiers: Orphanet 140162, MedGen C0027672, MeSH D009386, MONDO:0015356.

Submission:

Ambry Genetics
Classification: Pathogenic for Hereditary cancer-predisposing syndrome. Last evaluated: 2015-03-05. Review status: criteria provided, single submitter. Criteria: Ambry Variant Classification Scheme 2023. Collection method: clinical testing. Allele origin: germline.
Comment: The c.1302_1303dupGT pathogenic mutation, located in coding exon 9 of the FLCN gene, results from a duplication of GT at nucleotide positions 1302 and 1303, causing a translational frameshift with a predicted alternate stop codon. Since frameshifts are typically deleterious in nature, this alteration is interpreted as a disease-causing mutation (ACMG Recommendations for Standards for Interpretation and Reporting of Sequence Variations. Revision 2007. Genet Med. 2008;10:294).